The following is an entry in ClinVar:

ClinVar aggregate classification (germline): Uncertain significance. Review status: criteria provided, multiple submitters, no conflicts (2 of 4 stars). 2 submissions from 2 submitters: Uncertain significance (2). Last evaluated 2023-12-19.

Conditions:
Inborn genetic diseases. Identifiers: MedGen C0950123, MeSH D030342.

Allele frequency attached by ClinVar (database versions not stated): gnomAD 0.00004; TOPMed 0.00008.
gnomAD v4.1: 34 of 1,614,034 alleles (0.0021%); highest among the groups gnomAD compares: African/African-American, 0.016%; no homozygotes.

Submissions (2):

Labcorp Genetics (formerly Invitae), Labcorp
Classification: Uncertain significance. Last evaluated: 2023-12-19. Review status: criteria provided, single submitter. Criteria: Invitae Variant Classification Sherloc (09022015). Collection method: clinical testing. Allele origin: germline.
Comment: This sequence change replaces arginine, which is basic and polar, with leucine, which is neutral and non-polar, at codon 1422 of the TRPM1 protein (p.Arg1422Leu). This variant is present in population databases (rs748246121, gnomAD 0.008%). This variant has not been reported in the literature in individuals affected with TRPM1-related conditions. ClinVar contains an entry for this variant (Variation ID: 937605). Advanced modeling of protein sequence and biophysical properties (such as structural, functional, and spatial information, amino acid conservation, physicochemical variation, residue mobility, and thermodynamic stability) has been performed at Invitae for this missense variant, however the output from this modeling did not meet the statistical confidence thresholds required to predict the impact of this variant on TRPM1 protein function. In summary, the available evidence is currently insufficient to determine the role of this variant in disease. Therefore, it has been classified as a Variant of Uncertain Significance.

Ambry Genetics
Classification: Uncertain significance for Inborn genetic diseases. Last evaluated: 2021-08-02. Review status: criteria provided, single submitter. Criteria: Ambry Variant Classification Scheme 2023. Collection method: clinical testing. Allele origin: germline.

NM_001252024.2(TRPM1):c.4331G>T (p.Arg1444Leu)

Gene: TRPM1 (transient receptor potential cation channel subfamily M member 1; minus strand). Cytogenetic location: 15q13.3.
Variant type: single nucleotide variant.
Coding change: c.4331G>T on transcript NM_001252024.2 (MANE Select); coding-DNA position 4331, G replaced by T.
Protein change: p.Arg1444Leu; replaces arginine 1444 with leucine.
Molecular consequence: missense variant.
Genome position (GRCh38, 1-based): chr15:31,002,369, C>A on the plus strand (G>T on the coding strand, the complement: TRPM1 is on the minus strand). VCF-style: chr15-31002369-C-A. GRCh37 (hg19) VCF-style: chr15-31294572-C-A.
Other names: c.4382G>T, p.Arg1461Leu (NM_001252020.2); c.4265G>T, p.Arg1422Leu (NM_002420.6); c.4265G>T (NM_002420.4); short protein forms R1422L, R1444L, R1461L.
Identifiers: ClinVar variation 937605 (VCV000937605.8), dbSNP rs748246121, ClinGen allele CA7451663.